The following is an entry in ClinVar:

NM_000479.5(AMH):c.476dup (p.Glu160fs)

Gene: AMH (anti-Mullerian hormone; plus strand). Cytogenetic location: 19p13.3.
Variant type: Duplication.
Coding change: c.476dup on transcript NM_000479.5 (MANE Select); coding-DNA position 476, one base duplicated (C; older notation c.476dupC).
Protein change: p.Glu160fs; shifts the reading frame from glutamic acid 160.
Molecular consequence: frameshift variant.
Genome position (GRCh38, 1-based): chr19:2,250,400, C duplicated; the last of 6 consecutive C bases (chr19:2,250,395-2,250,400); duplicating any one gives the same sequence. VCF-style (leftmost placement, unchanged base first): chr19-2250394-G-GC. GRCh37 (hg19) VCF-style: chr19-2250393-G-GC.
Other names: short protein forms E160fs.
Identifiers: ClinVar variation 4983232 (VCV004983232.1).

ClinVar aggregate classification (germline): Likely pathogenic (1 of 4 stars; one submission).

Conditions:
AMH-related disorder. Also called: AMH-related condition.

Submission:

PreventionGenetics, part of Exact Sciences
Classification: Likely pathogenic for AMH-related condition. Last evaluated: 2026-08-31. Review status: criteria provided, single submitter. Criteria: ACMG Guidelines, 2015. Collection method: clinical testing. Allele origin: germline.
Comment: The AMH c.476dupC variant is predicted to result in a frameshift and premature protein termination (p.Glu160Argfs*14). To our knowledge, this variant has not been reported in the literature or in a large population database (gnomAD), indicating this variant is rare. Frameshift variants in AMH are expected to be pathogenic. This variant is interpreted as likely pathogenic.